The following is an entry in ClinVar:

NM_000274.4(OAT):c.1068G>T (p.Leu356Phe)

Gene: OAT (ornithine aminotransferase; minus strand). Cytogenetic location: 10q26.13.
Variant type: single nucleotide variant.
Coding change: c.1068G>T on transcript NM_000274.4 (MANE Select); coding-DNA position 1068, G replaced by T.
Protein change: p.Leu356Phe; replaces leucine 356 with phenylalanine.
Molecular consequence: missense variant.
Genome position (GRCh38, 1-based): chr10:124,400,931, C>A on the plus strand (G>T on the coding strand, the complement: OAT is on the minus strand). VCF-style: chr10-124400931-C-A. GRCh37 (hg19) VCF-style: chr10-126089500-C-A.
Other names: c.654G>T, p.Leu218Phe (NM_001171814.2); c.1068G>T, p.Leu356Phe (NM_001322965.2, NM_001322966.2, NM_001322967.2 and 3 more transcripts); c.747G>T, p.Leu249Phe (NM_001322971.2); c.468G>T, p.Leu156Phe (NM_001322974.2); short protein forms L156F, L218F, L249F, L356F.
Identifiers: ClinVar variation 991856 (VCV000991856.7), dbSNP rs768685095, ClinGen allele CA5733337.

ClinVar aggregate classification (germline): Uncertain significance. Review status: criteria provided, single submitter (1 of 4 stars). 2 submissions from 2 submitters: Uncertain significance (1). 1 of the submissions does not count toward it. Last evaluated 2023-12-22.

Conditions:
Ornithine aminotransferase deficiency (GACR). Also called: OAT DEFICIENCY; OKT DEFICIENCY; Ornithine ketoacid aminotransferase deficiency; Gyrate atrophy; Gyrate atrophy of choroid and retina; Girate atrophy of the retina. Identifiers: Orphanet 414, MedGen C0018425, MONDO:0009796, OMIM 258870.

Allele frequency attached by ClinVar (database versions not stated): TOPMed below 0.00001; gnomAD exomes 0.00001 and 0.00002; ExAC 0.00002.
gnomAD v4.1: 7 of 1,610,890 alleles (0.00043%); highest among the groups gnomAD compares: Admixed American, 0.012%; no homozygotes.

Submissions (2):

Labcorp Genetics (formerly Invitae), Labcorp
Classification: Uncertain significance for Ornithine aminotransferase deficiency. Last evaluated: 2023-12-22. Review status: criteria provided, single submitter. Criteria: Invitae Variant Classification Sherloc (09022015). Collection method: clinical testing. Allele origin: germline.
Comment: This sequence change replaces leucine, which is neutral and non-polar, with phenylalanine, which is neutral and non-polar, at codon 356 of the OAT protein (p.Leu356Phe). This variant is present in population databases (rs768685095, gnomAD 0.02%). This variant has not been reported in the literature in individuals affected with OAT-related conditions. ClinVar contains an entry for this variant (Variation ID: 991856). Advanced modeling of protein sequence and biophysical properties (such as structural, functional, and spatial information, amino acid conservation, physicochemical variation, residue mobility, and thermodynamic stability) performed at Invitae indicates that this missense variant is not expected to disrupt OAT protein function with a negative predictive value of 80%. In summary, the available evidence is currently insufficient to determine the role of this variant in disease. Therefore, it has been classified as a Variant of Uncertain Significance.

Natera, Inc.
Classification: Uncertain significance for Gyrate atrophy. Last evaluated: 2020-08-06. Review status: no assertion criteria provided. Collection method: clinical testing. Allele origin: germline. Not counted in ClinVar's aggregate classification.